The following is an entry in ClinVar:

NM_004006.3(DMD):c.6770T>C (p.Val2257Ala)

Gene: DMD (dystrophin; minus strand). Cytogenetic location: Xp21.1.
Variant type: single nucleotide variant.
Coding change: c.6770T>C on transcript NM_004006.3 (MANE Select); coding-DNA position 6770, T replaced by C.
Protein change: p.Val2257Ala; replaces valine 2257 with alanine.
Molecular consequence: missense variant. On other transcripts: 5 prime UTR variant (5).
Genome position (GRCh38, 1-based): chrX:31,929,738, A>G on the plus strand (T>C on the coding strand, the complement: DMD is on the minus strand). VCF-style: chrX-31929738-A-G. GRCh37 (hg19) VCF-style: chrX-31947855-A-G.
Other names: c.6746T>C, p.Val2249Ala (NM_000109.4); c.6758T>C, p.Val2253Ala (NM_004009.3); c.6401T>C, p.Val2134Ala (NM_004010.3); c.2747T>C, p.Val916Ala (NM_004011.4); c.2738T>C, p.Val913Ala (NM_004012.4); c.-611T>C (NM_004013.3, NM_004020.4, NM_004021.3 and 2 more transcripts); short protein forms V2257A, V2253A, V913A, V916A, V2134A, V2249A.
Identifiers: ClinVar variation 4989235 (VCV004989235.1).

ClinVar aggregate classification (germline): Uncertain significance (1 of 4 stars; one submission).

Conditions:
DMD-related disorder. Also called: DMD-related condition.

Submission:

PreventionGenetics, part of Exact Sciences
Classification: Uncertain significance for DMD-related condition. Last evaluated: 2025-12-03. Review status: criteria provided, single submitter. Criteria: ACMG Guidelines, 2015. Collection method: clinical testing. Allele origin: germline.
Comment: The DMD c.6770T>C variant is predicted to result in the amino acid substitution p.Val2257Ala. To our knowledge, this variant has not been reported in the literature or in a large population database (gnomAD), indicating this variant is rare. At this time, the clinical significance of this variant is uncertain due to the absence of conclusive functional and genetic evidence.